The following is an entry in ClinVar:

ClinVar aggregate classification (germline): Uncertain significance (1 of 4 stars; one submission).

Conditions:
Hereditary breast ovarian cancer syndrome. Also called: Hereditary breast and/or ovarian cancer syndrome; BRCA1- and BRCA2-Associated Hereditary Breast and Ovarian Cancer; Hereditary breast and ovarian cancer syndrome; Hereditary breast and ovarian cancer; Hereditary breast and ovarian cancer syndrome (HBOC); Breast and ovarian cancer. Identifiers: Orphanet 145, MedGen C0677776, MeSH D061325, MONDO:0003582. Disease mechanism: loss of function.

Submissions (2):

Labcorp Genetics (formerly Invitae), Labcorp
Classification: Uncertain significance for Hereditary breast ovarian cancer syndrome. Last evaluated: 2024-08-22. Review status: criteria provided, single submitter. Criteria: Invitae Variant Classification Sherloc (09022015). Collection method: clinical testing. Allele origin: germline.
Comment: This sequence change replaces glutamine, which is neutral and polar, with arginine, which is basic and polar, at codon 1747 of the BRCA1 protein (p.Gln1747Arg). This variant is not present in population databases (gnomAD no frequency). This variant has not been reported in the literature in individuals affected with BRCA1-related conditions. ClinVar contains an entry for this variant (Variation ID: 867267). Invitae Evidence Modeling incorporating data from in vitro experimental studies (PMID: 30209399) indicates that this missense variant is not expected to disrupt BRCA1 function with a negative predictive value of 95%. Experimental studies have shown that this missense change does not substantially affect BRCA1 function (PMID: 30209399, 30765603). In summary, the available evidence is currently insufficient to determine the role of this variant in disease. Therefore, it has been classified as a Variant of Uncertain Significance.

Brotman Baty Institute, University of Washington
No classification provided (evidence only). Condition: Breast-ovarian cancer, familial 1. Review status: no classification provided. Collection method: in vitro. Allele origin: not applicable. Functional consequence: functionally_normal. Not counted in ClinVar's aggregate classification.
ClinVar note: "not provided" was previously submitted as the classification for the variant. However, the classification appeared to be based only on an observation of functional data so it was converted to no classification on 2025-07-30.

Literature cited by the submitters: PubMed 30209399 (cited by Labcorp Genetics (formerly Invitae), Labcorp); PubMed 30765603 (cited by Labcorp Genetics (formerly Invitae), Labcorp).

NM_007294.4(BRCA1):c.5240A>G (p.Gln1747Arg)

Gene: BRCA1 (BRCA1 DNA repair associated; minus strand). Cytogenetic location: 17q21.31.
Variant type: single nucleotide variant.
Coding change: c.5240A>G on transcript NM_007294.4 (MANE Select); coding-DNA position 5240, A replaced by G.
Protein change: p.Gln1747Arg; replaces glutamine 1747 with arginine.
Molecular consequence: missense variant. On other transcripts: non-coding transcript variant (1).
Genome position (GRCh38, 1-based): chr17:43,057,089, T>C on the plus strand (A>G on the coding strand, the complement: BRCA1 is on the minus strand). VCF-style: chr17-43057089-T-C. GRCh37 (hg19) VCF-style: chr17-41209106-T-C.
Other names: c.5234A>G, p.Gln1745Arg (NM_001407637.1, NM_001407861.1, NM_001407629.1 and 14 more transcripts); c.5180A>G, p.Gln1727Arg (NM_001407649.1); c.5162A>G, p.Gln1721Arg (NM_001407652.1, NM_001407653.1, NM_001407654.1 and 1 more transcripts); c.5159A>G, p.Gln1720Arg (NM_001407656.1, NM_001407657.1, NM_001407658.1); c.5156A>G, p.Gln1719Arg (NM_001407659.1, NM_001407660.1, NM_001407661.1 and 2 more transcripts); c.5114A>G, p.Gln1705Arg (NM_001407670.1, NM_001407671.1, NM_001407672.1 and 10 more transcripts); c.5111A>G, p.Gln1704Arg (NM_001407689.1, NM_001407681.1, NM_001407682.1 and 6 more transcripts); c.5108A>G, p.Gln1703Arg (NM_001407690.1, NM_001407691.1); and 72 more; short protein forms Q1747R, Q1700R, Q1768R, Q643R, Q1634R, Q1636R, Q1657R, Q1676R.
Identifiers: ClinVar variation 867267 (VCV000867267.6), dbSNP rs2051510661, ClinGen allele CA10591061.